The following is an entry in ClinVar:

NM_000350.3(ABCA4):c.3863-1G>T

Gene: ABCA4 (ATP binding cassette subfamily A member 4; minus strand). Cytogenetic location: 1p22.1.
Variant type: single nucleotide variant.
Coding change: c.3863-1G>T on transcript NM_000350.3 (MANE Select); the canonical splice acceptor site of the intron before coding-DNA position 3863, G replaced by T.
Molecular consequence: splice acceptor variant.
Genome position (GRCh38, 1-based): chr1:94,032,044, C>A on the plus strand (G>T on the coding strand, the complement: ABCA4 is on the minus strand). VCF-style: chr1-94032044-C-A. GRCh37 (hg19) VCF-style: chr1-94497600-C-A.
Other names: c.3641-1G>T (NM_001425324.1).
Identifiers: ClinVar variation 4884893 (VCV004884893.1).

ClinVar aggregate classification (germline): Likely pathogenic (1 of 4 stars; one submission).

Conditions:
Severe early-childhood-onset retinal dystrophy (STGD1). Also called: Stargardt macular dystrophy; Juvenile onset macular degeneration; Stargardt disease 1; MACULAR DYSTROPHY WITH FLECKS, TYPE 1; STGD. Identifiers: Orphanet 364055, Orphanet 827, MedGen C1855465, MeSH D000080362, MONDO:0009549, OMIM 248200.

Submission:

Kasturba Medical College, Manipal, Kasturba Medical College, Manipal, Manipal Academy of Higher Education, Manipal, India
Classification: Likely pathogenic for Severe early-childhood-onset retinal dystrophy. Last evaluated: 2026-07-30. Review status: criteria provided, single submitter. Criteria: ACMG Guidelines, 2015. Collection method: research. Allele origin: paternal. Inheritance: Autosomal recessive inheritance. Affected: yes. Observed: 1 variant allele, 1 heterozygote.
Comment: This variant is absent in gnomAD v4.1.1 and our inhouse database of 4276 exomes. This variant is predicted to result in aberrant splicing leading to either nonsense mediated mRNA decay or formation of a truncated protein product.